The following is an entry in ClinVar:

ClinVar aggregate classification (germline): Conflicting classifications of pathogenicity. Review status: criteria provided, conflicting classifications (1 of 4 stars). 11 submissions from 11 submitters: Uncertain significance (7); Likely benign (2). 2 of the submissions do not count toward it. Last evaluated 2025-12-17.

Conditions:
Hereditary cancer-predisposing syndrome. Also called: Hereditary Cancer Syndrome; Hereditary neoplastic syndrome; Neoplastic Syndromes, Hereditary; Tumor predisposition. Identifiers: Orphanet 140162, MedGen C0027672, MeSH D009386, MONDO:0015356.
Breast-ovarian cancer, familial, susceptibility to, 1 (BROVCA1). Also called: BRCA1 Hereditary Breast and Ovarian Cancer; OVARIAN CANCER, SUSCEPTIBILITY TO. Identifiers: Orphanet 145, MedGen C2676676, MONDO:0011450, OMIM 604370. Disease mechanism: loss of function.
Familial cancer of breast. Also called: hereditary breast carcinoma; BREAST CANCER, FAMILIAL; Hereditary breast cancer. Identifiers: Orphanet 227535, MedGen C0346153, MONDO:0016419, OMIM 114480. Disease mechanism: loss of function.
Fanconi anemia, complementation group S (FANCS). Identifiers: MedGen C4554406, MONDO:0054748, OMIM 617883.
Pancreatic cancer, susceptibility to, 4. Identifiers: Orphanet 1333, MedGen C3280442, MONDO:0013685, OMIM 614320.
Hereditary breast ovarian cancer syndrome. Also called: BRCA1- and BRCA2-Associated Hereditary Breast and Ovarian Cancer; Hereditary breast and ovarian cancer syndrome; Hereditary breast and ovarian cancer syndrome (HBOC); Breast and ovarian cancer; Hereditary breast and/or ovarian cancer syndrome; Hereditary breast and ovarian cancer. Identifiers: Orphanet 145, MedGen C0677776, MeSH D061325, MONDO:0003582. Disease mechanism: loss of function.

Allele frequency attached by ClinVar (database versions not stated): TOPMed 0.00001.
gnomAD v4.1: 3 of 1,614,150 alleles (0.00019%); no homozygotes.

Submissions (11):

Labcorp Genetics (formerly Invitae), Labcorp
Classification: Uncertain significance for Hereditary breast ovarian cancer syndrome. Last evaluated: 2025-12-17. Review status: criteria provided, single submitter. Criteria: Invitae Variant Classification Sherloc (09022015). Collection method: clinical testing. Allele origin: germline.
Comment: This sequence change replaces glutamic acid, which is acidic and polar, with aspartic acid, which is acidic and polar, at codon 1185 of the BRCA1 protein (p.Glu1185Asp). This variant is not present in population databases (gnomAD no frequency). This missense change has been observed in individual(s) with ovarian cancer (PMID: 22711857, 34326862). ClinVar contains an entry for this variant (Variation ID: 89059). Invitae Evidence Modeling of protein sequence and biophysical properties (such as structural, functional, and spatial information, amino acid conservation, physicochemical variation, residue mobility, and thermodynamic stability) indicates that this missense variant is not expected to disrupt BRCA1 protein function with a negative predictive value of 80%. In summary, the available evidence is currently insufficient to determine the role of this variant in disease. Therefore, it has been classified as a Variant of Uncertain Significance.

Ambry Genetics
Classification: Uncertain significance for Hereditary cancer-predisposing syndrome. Last evaluated: 2025-06-13. Review status: criteria provided, single submitter. Criteria: Ambry Variant Classification Scheme 2023. Collection method: clinical testing. Allele origin: germline.
Comment: The p.E1185D variant (also known as c.3555G>T), located in coding exon 9 of the BRCA1 gene, results from a G to T substitution at nucleotide position 3555. The glutamic acid at codon 1185 is replaced by aspartic acid, an amino acid with highly similar properties. In one study, this variant was observed in 1/1001 patients with non-mucinous ovarian carcinoma and classified as a variant of unknown significance by the authors (Alsop K et al. J Clin Oncol. 2012 Jul 20;30(21):2654-63). This amino acid position is not well conserved in available vertebrate species. In addition, the in silico prediction for this alteration is inconclusive. Since supporting evidence is limited at this time, the clinical significance of this alteration remains unclear.

Color Diagnostics, LLC DBA Color Health
Classification: Uncertain significance for Hereditary cancer-predisposing syndrome. Last evaluated: 2025-03-10. Review status: criteria provided, single submitter. Criteria: ACMG Guidelines, 2015. Collection method: clinical testing. Allele origin: germline.
Comment: This missense variant replaces glutamic acid with aspartic acid at codon 1185 of the BRCA1 protein. Computational prediction is inconclusive regarding the impact of this variant on protein structure and function. To our knowledge, functional studies have not been reported for this variant. This variant has been detected in an individual affected with ovarian cancer (PMID: 22711857). A multifactorial analysis has reported a likelihood ratio for pathogenicity based on personal and family history of 0.213 from log(LR)=-0.672424316 for two carriers (PMID: 31853058). This variant has not been identified in the general population by the Genome Aggregation Database (gnomAD). The available evidence is insufficient to determine the role of this variant in disease conclusively. Therefore, this variant is classified as a Variant of Uncertain Significance.

Women's Health and Genetics/Laboratory Corporation of America, LabCorp
Classification: Uncertain significance. Last evaluated: 2024-07-11. Review status: criteria provided, single submitter. Criteria: LabCorp Variant Classification Summary - May 2015. Collection method: clinical testing. Allele origin: germline.
Comment: Variant summary: BRCA1 c.3555G>T (p.Glu1185Asp) results in a conservative amino acid change in the encoded protein sequence. Five of five in-silico tools predict a benign effect of the variant on protein function. The variant was absent in 251096 control chromosomes. The available data on variant occurrences in the general population are insufficient to allow any conclusion about variant significance. c.3555G>T has been reported in the literature in the presumed heterozygous state in multiple individuals affected with breast and/or ovarian cancer (example, Alsop_2012, Bhai_2021, Khandakji_2023). These report(s) do not provide unequivocal conclusions about association of the variant with BRCA1-related conditions. To our knowledge, no experimental evidence demonstrating an impact on protein function has been reported. The following publications have been ascertained in the context of this evaluation (PMID: 22711857, 34326862, 30603682, 37335020). ClinVar contains an entry for this variant (Variation ID: 89059). Based on the evidence outlined above, the variant was classified as uncertain significance.

Molecular Pathology, Peter Maccallum Cancer Centre
Classification: Likely benign for Breast-ovarian cancer, familial, susceptibility to, 1. Last evaluated: 2024-01-19. Review status: criteria provided, single submitter. Criteria: ACMG Guidelines, 2015. Collection method: clinical testing. Allele origin: germline. Inheritance: Autosomal dominant inheritance.

University of Washington Department of Laboratory Medicine, University of Washington
Classification: Likely benign for Hereditary cancer-predisposing syndrome. Last evaluated: 2023-03-23. Review status: criteria provided, single submitter. Criteria: Dines et al. (Genet Med. 2020). Collection method: curation. Allele origin: germline.
Comment: Missense variant in a coldspot region where missense variants are very unlikely to be pathogenic (PMID:31911673).

BRCA1 coldspot (exon 11 using historical exon numbering). Reclassification based on statistical prior probability

GeneDx
Classification: Uncertain significance. Last evaluated: 2021-05-27. Review status: criteria provided, single submitter. Criteria: GeneDx Variant Classification Process June 2021. Collection method: clinical testing. Allele origin: germline. Affected: yes.
Comment: Not observed in large population cohorts (Lek 2016); In silico analysis supports that this missense variant has a deleterious effect on protein structure/function; This variant is associated with the following publications: (PMID: 22711857, 27535533)

Quest Diagnostics Nichols Institute San Juan Capistrano
Classification: Uncertain significance. Last evaluated: 2021-03-19. Review status: criteria provided, single submitter. Criteria: Quest Diagnostics criteria. Collection method: clinical testing. Allele origin: unknown.

Fulgent Genetics
Classification: Uncertain significance for Familial cancer of breast; Breast-ovarian cancer, familial, susceptibility to, 1; Pancreatic cancer, susceptibility to, 4; Fanconi anemia, complementation group S. Last evaluated: 2018-10-31. Review status: criteria provided, single submitter. Criteria: ACMG Guidelines, 2015. Collection method: clinical testing. Allele origin: unknown.

Sharing Clinical Reports Project (SCRP)
Classification: Uncertain significance for Breast-ovarian cancer, familial 1. Last evaluated: 2010-03-15. Review status: no assertion criteria provided. Collection method: clinical testing. Allele origin: germline. Not counted in ClinVar's aggregate classification.

Department of Pathology and Laboratory Medicine, Sinai Health System
Classification: Uncertain significance. Review status: no assertion criteria provided. Collection method: clinical testing. Allele origin: unknown. Affected: yes. Observed: 1 variant allele. Study: The Canadian Open Genetics Repository (COGR). Not counted in ClinVar's aggregate classification.
Comment: The BRCA1 p.Glu1185Asp variant was identified in an individual with ovarian cancer in a study by Alsop (2012); however, control chromosomes were not evaluated in this study to assess variant frequencies in the general population. The variant is listed in the ClinVar database, with a classification of â€šÃ„Ãºuncertainâ€šÃ„Ã¹ clinical significance by all three submitters (GeneDx, Sharing Clinical Reports Project, Ambry Genetics). The variant was not identified in other database searches (HGMD, GeneInsight â€šÃ„Ã¬ COGR, COSMIC, dbSNP, BIC, LOVD, Exome Variant Server Exome Sequencing Project, Exome Aggregation Consortium (ExAC)). One out of five in silico splicing prediction programs (SpliceSiteFinder, MaxEntScan, NNSPLICE, GeneSplicer, HumanSpliceFinder) predicts the creation of a potential 3â€šÃ„Ã´ splice site just downstream of the variant; however, the variant is not located within a splicing consensus sequence and this information is not very predictive of pathogenicity. The p.Glu1185 residue is not conserved across mammals and other organisms, and four out of five computational analyses (PolyPhen-2, SIFT, AlignGVGD, BLOSUM, MutationTaster) do not suggest a high likelihood of impact to the protein; however, this information is not predictive enough to rule out pathogenicity. In summary, based on the above information, the clinical significance of this variant cannot be determined with certainty at this time. This variant is classified as a variant of unknown significance.

Literature cited by the submitters: PubMed 22711857 (cited by 4 submitters); PubMed 34326862 (cited by Labcorp Genetics (formerly Invitae), Labcorp and Women's Health and Genetics/Laboratory Corporation of America, LabCorp); PubMed 31853058 (cited by Color Diagnostics, LLC DBA Color Health); PubMed 30603682 (cited by Women's Health and Genetics/Laboratory Corporation of America, LabCorp); PubMed 37335020 (cited by Women's Health and Genetics/Laboratory Corporation of America, LabCorp).

NM_007294.4(BRCA1):c.3555G>T (p.Glu1185Asp)

Genes: BRCA1 (BRCA1 DNA repair associated; minus strand), LOC126862571 (BRD4-independent group 4 enhancer GRCh37_chr17:41243136-41244335; plus strand). Cytogenetic location: 17q21.31.
Variant type: single nucleotide variant.
Coding change: c.3555G>T on transcript NM_007294.4 (MANE Select); coding-DNA position 3555, G replaced by T.
Protein change: p.Glu1185Asp; replaces glutamic acid 1185 with aspartic acid.
Molecular consequence: missense variant. On other transcripts: intron variant (135).
Genome position (GRCh38, 1-based): chr17:43,091,976, C>A on the plus strand (G>T on the coding strand, the complement: BRCA1 is on the minus strand). VCF-style: chr17-43091976-C-A. GRCh37 (hg19) VCF-style: chr17-41243993-C-A.
Other names: p.E1185D:GAG>GAT; 3674G>T; c.3555G>T, p.Glu1185Asp (NM_001407583.1, NM_001407585.1, NM_001407593.1 and 30 more transcripts); c.3552G>T, p.Glu1184Asp (NM_001407587.1, NM_001407590.1, NM_001407591.1 and 22 more transcripts); c.3546G>T, p.Glu1182Asp (NM_001407646.1, NM_001407647.1); c.3432G>T, p.Glu1144Asp (NM_001407648.1, NM_001407664.1, NM_001407665.1 and 19 more transcripts); c.3429G>T, p.Glu1143Asp (NM_001407649.1, NM_001407670.1, NM_001407671.1 and 11 more transcripts); c.3477G>T, p.Glu1159Asp (NM_001407653.1, NM_001407654.1, NM_001407655.1 and 4 more transcripts); and 43 more; short protein forms E1185D, E1138D, E1058D, E1137D, E1158D, E1184D, E1073D, E1096D.
Identifiers: ClinVar variation 89059 (VCV000089059.35), dbSNP rs587779368, ClinGen allele CA002273.